The following is an entry in ClinVar:

ClinVar aggregate classification (germline): Uncertain significance (1 of 4 stars; one submission).

Submission:

Centre of Medical Genetics, University Hospital Muenster
Classification: Uncertain significance. Last evaluated: 2021-12-08. Review status: criteria provided, single submitter. Criteria: ACMG Guidelines, 2015. Collection method: clinical testing. Allele origin: unknown. Affected: yes. Observed: 1 variant allele, 1 heterozygote.
Comment: ACMG categories: PM1,PM2,PP3

NM_001042681.2(RERE):c.3428C>G (p.Ser1143Trp)

Gene: RERE (arginine-glutamic acid dipeptide repeats; minus strand). Cytogenetic location: 1p36.23.
Variant type: single nucleotide variant.
Coding change: c.3428C>G on transcript NM_001042681.2 (MANE Select); coding-DNA position 3428, C replaced by G.
Protein change: p.Ser1143Trp; replaces serine 1143 with tryptophan.
Molecular consequence: missense variant.
Genome position (GRCh38, 1-based): chr1:8,359,954, G>C on the plus strand (C>G on the coding strand, the complement: RERE is on the minus strand). VCF-style: chr1-8359954-G-C. GRCh37 (hg19) VCF-style: chr1-8420014-G-C.
Other names: c.1766C>G, p.Ser589Trp (NM_001042682.2); c.3428C>G, p.Ser1143Trp (NM_012102.4); short protein forms S1143W, S589W.
Identifiers: ClinVar variation 1708345 (VCV001708345.3), dbSNP rs1641489334, ClinGen allele CA338170598.